The following is an entry in ClinVar:

ClinVar aggregate classification (germline): Uncertain significance. Review status: criteria provided, multiple submitters, no conflicts (2 of 4 stars). 2 submissions from 2 submitters: Uncertain significance (2). Last evaluated 2026-01-09.

Conditions:
PCNT-related disorder. Also called: PCNT-related condition.
Inborn genetic diseases. Identifiers: MedGen C0950123, MeSH D030342.

Allele frequency attached by ClinVar (database versions not stated): TOPMed below 0.00001; gnomAD 0.00001; ESP Exome Variant Server 0.00008.
gnomAD v4.1: 11 of 1,613,562 alleles (0.00068%); highest among the groups gnomAD compares: Non-Finnish European, 0.00093%; no homozygotes.

Submissions (2):

PreventionGenetics, part of Exact Sciences
Classification: Uncertain significance for PCNT-related condition. Last evaluated: 2026-01-09. Review status: criteria provided, single submitter. Criteria: ACMG Guidelines, 2015. Collection method: clinical testing. Allele origin: germline.
Comment: The PCNT c.1938G>C variant is predicted to result in the amino acid substitution p.Glu646Asp. To our knowledge, this variant has not been reported in the literature. This variant is reported in 0.0044% of alleles in individuals of European (Non-Finnish) descent in gnomAD. At this time, the clinical significance of this variant is uncertain due to the absence of conclusive functional and genetic evidence.

Ambry Genetics
Classification: Uncertain significance for Inborn genetic diseases. Last evaluated: 2022-11-17. Review status: criteria provided, single submitter. Criteria: Ambry Variant Classification Scheme 2023. Collection method: clinical testing. Allele origin: germline.

NM_006031.6(PCNT):c.1938G>C (p.Glu646Asp)

Gene: PCNT (pericentrin; plus strand). Cytogenetic location: 21q22.3.
Variant type: single nucleotide variant.
Coding change: c.1938G>C on transcript NM_006031.6 (MANE Select); coding-DNA position 1938, G replaced by C.
Protein change: p.Glu646Asp; replaces glutamic acid 646 with aspartic acid.
Molecular consequence: missense variant.
Genome position (GRCh38, 1-based): chr21:46,356,975, G>C. VCF-style: chr21-46356975-G-C. GRCh37 (hg19) VCF-style: chr21-47776890-G-C.
Other names: c.1584G>C, p.Glu528Asp (NM_001315529.2); short protein forms E528D, E646D.
Identifiers: ClinVar variation 2326745 (VCV002326745.3), dbSNP rs372875556, ClinGen allele CA10078837.
Genomic context (GRCh38, chr21:46,356,975, plus strand): 5'-TGGGCTCCATCGAGGGCCGGCACCGGCCTGACTGTCTTCCCTGCTCCTTTTCCACACAGA[G>C]CTTCCCTGGGTGCATCTCCAGGGTGTGCAGGACGGGGACTTGGAGGCCGACACAGAGCGG-3'
Protein context (NP_006022.3, residues 636-656): RLEPSEGHSQ[Glu646Asp]LPWVHLQGVQ